The following is an entry in ClinVar:

ClinVar aggregate classification (germline): Uncertain significance. Review status: criteria provided, single submitter (1 of 4 stars). 2 submissions from 2 submitters: Uncertain significance (1). 1 of the submissions does not count toward it. Last evaluated 2026-01-18.

Conditions:
AFF4-related disorder. Also called: AFF4-related condition.
Cognitive impairment - coarse facies - heart defects - obesity - pulmonary involvement - short stature - skeletal dysplasia syndrome. Also called: COGNITIVE IMPAIRMENT, COARSE FACIES, HEART DEFECTS, OBESITY, PULMONARY INVOLVEMENT, SHORT STATURE, AND SKELETAL DYSPLASIA; Chops syndrome; AFF4-Related CHOPS Syndrome. Identifiers: Orphanet 444077, MedGen C4085597, MONDO:0014609, OMIM 616368.

Allele frequency attached by ClinVar (database versions not stated): 1000 Genomes Project 0.00020; gnomAD exomes 0.00001; TOPMed 0.00001; 1000 Genomes Project 30x 0.00016; ExAC 0.00001; gnomAD 0.00001.
gnomAD v4.1: 15 of 1,614,086 alleles (0.00093%); highest among the groups gnomAD compares: South Asian, 0.0088%; no homozygotes.

Submissions (2):

Labcorp Genetics (formerly Invitae), Labcorp
Classification: Uncertain significance for Cognitive impairment - coarse facies - heart defects - obesity - pulmonary involvement - short stature - skeletal dysplasia syndrome. Last evaluated: 2026-01-18. Review status: criteria provided, single submitter. Criteria: Invitae Variant Classification Sherloc (09022015). Collection method: clinical testing. Allele origin: germline.
Comment: This sequence change replaces histidine, which is basic and polar, with tyrosine, which is neutral and polar, at codon 294 of the AFF4 protein (p.His294Tyr). This variant is present in population databases (rs571366609, gnomAD 0.006%). This variant has not been reported in the literature in individuals affected with AFF4-related conditions. ClinVar contains an entry for this variant (Variation ID: 1386984). Invitae Evidence Modeling of protein sequence and biophysical properties (such as structural, functional, and spatial information, amino acid conservation, physicochemical variation, residue mobility, and thermodynamic stability) has been performed for this missense variant. However, the output from this modeling did not meet the statistical confidence thresholds required to predict the impact of this variant on AFF4 protein function. In summary, the available evidence is currently insufficient to determine the role of this variant in disease. Therefore, it has been classified as a Variant of Uncertain Significance.

PreventionGenetics, part of Exact Sciences
Classification: Uncertain significance for AFF4-related condition. Last evaluated: 2024-05-10. Review status: no assertion criteria provided. Collection method: clinical testing. Allele origin: germline. Not counted in ClinVar's aggregate classification.
Comment: The AFF4 c.880C>T variant is predicted to result in the amino acid substitution p.His294Tyr. To our knowledge, this variant has not been reported in the literature. This variant is reported in 0.0065% of alleles in individuals of South Asian descent in gnomAD. At this time, the clinical significance of this variant is uncertain due to the absence of conclusive functional and genetic evidence.

NM_014423.4(AFF4):c.880C>T (p.His294Tyr)

Gene: AFF4 (ALF transcription elongation factor 4; minus strand). Cytogenetic location: 5q31.1.
Variant type: single nucleotide variant.
Coding change: c.880C>T on transcript NM_014423.4 (MANE Select); coding-DNA position 880, C replaced by T.
Protein change: p.His294Tyr; replaces histidine 294 with tyrosine.
Molecular consequence: missense variant.
Genome position (GRCh38, 1-based): chr5:132,934,185, G>A on the plus strand (C>T on the coding strand, the complement: AFF4 is on the minus strand). VCF-style: chr5-132934185-G-A. GRCh37 (hg19) VCF-style: chr5-132269877-G-A.
Other names: c.880C>T (NM_014423.3); short protein forms H294Y.
Identifiers: ClinVar variation 1386984 (VCV001386984.7), dbSNP rs571366609, ClinGen allele CA3409359.